The following is an entry in ClinVar:

NM_012213.3(MLYCD):c.743_753dup (p.Val252fs)

Gene: MLYCD (malonyl-CoA decarboxylase; plus strand). Cytogenetic location: 16q23.3.
Variant type: Duplication.
Coding change: c.743_753dup on transcript NM_012213.3 (MANE Select); coding-DNA positions 743 to 753, 11 bases duplicated (AGCCCCTGGTC).
Protein change: p.Val252fs; shifts the reading frame from valine 252.
Molecular consequence: frameshift variant.
Genome position (GRCh38, 1-based): chr16:83,908,227-83,908,237, AGCCCCTGGTC duplicated. VCF-style (leftmost placement, unchanged base first): chr16-83908226-G-GAGCCCCTGGTC. GRCh37 (hg19) VCF-style: chr16-83941831-G-GAGCCCCTGGTC.
Other names: short protein forms V252fs.
Identifiers: ClinVar variation 2986225 (VCV002986225.3), dbSNP rs2507382260, ClinGen allele CA2576076545.
Genomic context (GRCh38, chr16:83,908,226, plus strand): 5'-AAGCGCCGCGTTGGGCCCTACAGAAGGTGTTACTTCTTTTCTCACTGTTCGACCCCTGGG[G>GAGCCCCTGGTC]AGCCCCTGGTCGTTTTGCACGTGGCACTGACTGGTGACATCTCCAGCAACATCCAGGTAC-3'

ClinVar aggregate classification (germline): Pathogenic (1 of 4 stars; one submission).

Conditions:
Deficiency of malonyl-CoA decarboxylase. Also called: Malonic aciduria; MCD deficiency. Identifiers: Orphanet 943, MedGen C0342793, MONDO:0009556, OMIM 248360.

Submission:

Labcorp Genetics (formerly Invitae), Labcorp
Classification: Pathogenic for Deficiency of malonyl-CoA decarboxylase. Last evaluated: 2023-03-13. Review status: criteria provided, single submitter. Criteria: Invitae Variant Classification Sherloc (09022015). Collection method: clinical testing. Allele origin: germline.
Comment: This sequence change creates a premature translational stop signal (p.Val252Serfs*10) in the MLYCD gene. It is expected to result in an absent or disrupted protein product. Loss-of-function variants in MLYCD are known to be pathogenic (PMID: 12955715, 17186413). This variant is not present in population databases (gnomAD no frequency). This variant has not been reported in the literature in individuals affected with MLYCD-related conditions. For these reasons, this variant has been classified as Pathogenic.

Literature cited by the submitters: PubMed 12955715; PubMed 17186413.